The following is an entry in ClinVar:

NM_004982.4(KCNJ8):c.1054C>T (p.Arg352Trp)

Genes: KCNJ8-AS1 (KCNJ8 antisense RNA 1; plus strand), KCNJ8 (potassium inwardly rectifying channel subfamily J member 8; minus strand). Cytogenetic location: 12p12.1.
Variant type: single nucleotide variant.
Coding change: c.1054C>T on transcript NM_004982.4 (MANE Select); coding-DNA position 1054, C replaced by T.
Protein change: p.Arg352Trp; replaces arginine 352 with tryptophan.
Molecular consequence: missense variant.
Genome position (GRCh38, 1-based): chr12:21,765,944, G>A on the plus strand (C>T on the coding strand, the complement: KCNJ8 is on the minus strand). VCF-style: chr12-21765944-G-A. GRCh37 (hg19) VCF-style: chr12-21918878-G-A.
Other names: short protein forms R352W.
Identifiers: ClinVar variation 1465807 (VCV001465807.9), dbSNP rs556299317, ClinGen allele CA6480630.
Genomic context (GRCh38, chr12:21,765,944, plus strand): 5'-TCTTTTGGAGGGTCTGAATAAGGATGGAAGGTTTCTCATCCAGCTCTCGGGCACTGCACC[G>A]TGGAGCAGCTACTTTAACAGTGTTGCCAAATTTGGAGTAATCCACAGAATACACTCCTTC-3'
Protein context (NP_004973.1, residues 342-362): FGNTVKVAAP[Arg352Trp]CSARELDEKP

ClinVar aggregate classification (germline): Uncertain significance. Review status: criteria provided, multiple submitters, no conflicts (2 of 4 stars). 2 submissions from 2 submitters: Uncertain significance (2). Last evaluated 2024-04-20.

Conditions:
Brugada syndrome. Also called: Sudden Unexplained Death Syndrome; Sudden Unexplained Nocturnal Death Syndrome (SUNDS); Sudden unexplained nocturnal death syndrome; Sudden unexpected nocturnal death syndrome. Identifiers: Orphanet 130, MedGen C1142166, MONDO:0015263.
Cardiovascular phenotype. Identifiers: MedGen CN230736.

Allele frequency attached by ClinVar (database versions not stated): TOPMed below 0.00001; ExAC 0.00001; gnomAD 0.00001; gnomAD exomes 0.00001; 1000 Genomes Project 30x 0.00016; 1000 Genomes Project 0.00020.
gnomAD v4.1: 33 of 1,614,096 alleles (0.002%); highest among the groups gnomAD compares: African/African-American, 0.0027%; no homozygotes.

Submissions (2):

Ambry Genetics
Classification: Uncertain significance for Cardiovascular phenotype. Last evaluated: 2024-04-20. Review status: criteria provided, single submitter. Criteria: Ambry Variant Classification Scheme 2023. Collection method: clinical testing. Allele origin: germline.
Comment: The p.R352W variant (also known as c.1054C>T), located in coding exon 2 of the KCNJ8 gene, results from a C to T substitution at nucleotide position 1054. The arginine at codon 352 is replaced by tryptophan, an amino acid with dissimilar properties. This amino acid position is well conserved in available vertebrate species. In addition, the in silico prediction for this alteration is inconclusive. Since supporting evidence is limited at this time, the clinical significance of this alteration remains unclear.

Labcorp Genetics (formerly Invitae), Labcorp
Classification: Uncertain significance for Brugada syndrome. Last evaluated: 2021-09-18. Review status: criteria provided, single submitter. Criteria: Invitae Variant Classification Sherloc (09022015). Collection method: clinical testing. Allele origin: germline.
Comment: This variant has not been reported in the literature in individuals affected with KCNJ8-related conditions. This variant is present in population databases (rs556299317, ExAC 0.01%). This sequence change replaces arginine with tryptophan at codon 352 of the KCNJ8 protein (p.Arg352Trp). The arginine residue is moderately conserved and there is a moderate physicochemical difference between arginine and tryptophan. Algorithms developed to predict the effect of missense changes on protein structure and function are either unavailable or do not agree on the potential impact of this missense change (SIFT: "Deleterious"; PolyPhen-2: "Possibly Damaging"; Align-GVGD: "Class C0"). In summary, the available evidence is currently insufficient to determine the role of this variant in disease. Therefore, it has been classified as a Variant of Uncertain Significance.